The following is an entry in ClinVar:

NM_012193.4(FZD4):c.323AGA[1] (p.Lys109del)

Genes: FZD4 (frizzled class receptor 4; minus strand), PRSS23 (serine protease 23; plus strand). Cytogenetic location: 11q14.2.
Variant type: Microsatellite.
Coding change: c.323AGA[1] on transcript NM_012193.4 (MANE Select); one copy of the 3-base unit AGA starting at c.323; the reference has two copies in a row; one copy, 3 bases deleted.
Protein change: p.Lys109del; deletes lysine 109.
Molecular consequence: non-coding transcript variant (on NR_120591.3).
Genome position (GRCh38, 1-based): chr11:86,952,428-86,952,430, TCT deleted on the plus strand (AGA on the coding strand, the reverse complement: FZD4 is on the minus strand); deleting any 3 consecutive bases within chr11:86,952,428-86,952,433 gives the same sequence; the position shown is the placement nearest the transcript's 3' end. VCF-style (leftmost placement, unchanged base first): chr11-86952427-ATCT-A. GRCh37 (hg19) VCF-style: chr11-86663469-ATCT-A.
Other names: short protein forms K109del.
Identifiers: ClinVar variation 3639551 (VCV003639551.2).

ClinVar aggregate classification (germline): Uncertain significance (1 of 4 stars; one submission).

Submission:

Labcorp Genetics (formerly Invitae), Labcorp
Classification: Uncertain significance. Last evaluated: 2025-08-24. Review status: criteria provided, single submitter. Criteria: Invitae Variant Classification Sherloc (09022015). Collection method: clinical testing. Allele origin: germline.
Comment: This variant, c.326_328del, results in the deletion of 1 amino acid(s) of the FZD4 protein (p.Lys109del), but otherwise preserves the integrity of the reading frame. This variant is not present in population databases (gnomAD no frequency). This variant has been observed in individual(s) with familial exudative vitreoretinopathy (internal data). Experimental studies and prediction algorithms are not available or were not evaluated, and the functional significance of this variant is currently unknown. Algorithms developed to predict the effect of sequence changes on RNA splicing suggest that this variant may disrupt the consensus splice site. In summary, the available evidence is currently insufficient to determine the role of this variant in disease. Therefore, it has been classified as a Variant of Uncertain Significance.